The following is an entry in ClinVar:

ClinVar aggregate classification (germline): Conflicting classifications of pathogenicity. Review status: criteria provided, conflicting classifications (1 of 4 stars). 3 submissions from 3 submitters: Uncertain significance (1); Likely benign (2). Last evaluated 2025-12-29.

Conditions:
Hereditary cancer-predisposing syndrome. Also called: Hereditary neoplastic syndrome; Hereditary Cancer Syndrome; Neoplastic Syndromes, Hereditary; Tumor predisposition. Identifiers: Orphanet 140162, MedGen C0027672, MeSH D009386, MONDO:0015356.

gnomAD v4.1: 3 of 1,613,920 alleles (0.00019%); highest among the groups gnomAD compares: Non-Finnish European, 0.00025%; no homozygotes.

Submissions (3):

Center for Genomic Medicine, Rigshospitalet, Copenhagen University Hospital
Classification: Likely benign. Last evaluated: 2025-12-29. Review status: criteria provided, single submitter. Criteria: ACMG Guidelines, 2015. Collection method: clinical testing. Allele origin: germline.

Labcorp Genetics (formerly Invitae), Labcorp
Classification: Likely benign. Last evaluated: 2023-08-24. Review status: criteria provided, single submitter. Criteria: Invitae Variant Classification Sherloc (09022015). Collection method: clinical testing. Allele origin: germline.

Ambry Genetics
Classification: Uncertain significance for Hereditary cancer-predisposing syndrome. Last evaluated: 2020-03-16. Review status: criteria provided, single submitter. Criteria: Ambry Variant Classification Scheme 2023. Collection method: clinical testing. Allele origin: germline.
Comment: The c.3379-3C>T intronic variant results from a C to T substitution 3 nucleotides upstream from coding exon 28 in the POLE gene. This nucleotide position is not well conserved in available vertebrate species. Using two different splice site prediction tools, this alteration is predicted by ESEfinder to abolish the native splice acceptor site, but is not predicted to have a deleterious effect on this splice acceptor site by BDGP; however, direct evidence is unavailable. Since supporting evidence is limited at this time, the clinical significance of this alteration remains unclear.

NM_006231.4(POLE):c.3379-3C>T

Gene: POLE (DNA polymerase epsilon, catalytic subunit; minus strand). Cytogenetic location: 12q24.33.
Variant type: single nucleotide variant.
Coding change: c.3379-3C>T on transcript NM_006231.4 (MANE Select); 3 bases into the intron before coding-DNA position 3379, C replaced by T.
Molecular consequence: intron variant.
Genome position (GRCh38, 1-based): chr12:132,657,432, G>A on the plus strand (C>T on the coding strand, the complement: POLE is on the minus strand). VCF-style: chr12-132657432-G-A. GRCh37 (hg19) VCF-style: chr12-133234018-G-A.
Identifiers: ClinVar variation 1402940 (VCV001402940.9), dbSNP rs61952117, ClinGen allele CA246314925.